The following is an entry in ClinVar:

ClinVar aggregate classification (germline): Uncertain significance (1 of 4 stars; one submission).

Conditions:
Seizures, benign familial neonatal, 2. Also called: Seizures, benign neonatal, 2; Benign Neonatal Epilepsy 2; CONVULSIONS, BENIGN FAMILIAL NEONATAL, 2; KCNQ3-Related Self-Limited Familial Neonatal Epilepsy (SLFNE); KCNQ3-Related Benign Familial Neonatal Epilepsy. Identifiers: Orphanet 1949, MedGen C1852581, MONDO:0007366, OMIM 121201.

Submission:

New York Genome Center
Classification: Uncertain significance for Seizures, benign familial neonatal, 2. Last evaluated: 2021-04-23. Review status: criteria provided, single submitter. Criteria: NYGC Assertion Criteria 2020. Collection method: clinical testing. Allele origin: de novo. Observed: 1 heterozygote. Study: CSER-NYCKidSeq.
Comment: The de novo, deep intronic c.386+67111C>T variant identified in the KCNQ3 gene substitutes a Guanine for Adenine at the nucleotide level within intron 1/14. There is an Adenine at this position in some smaller mammalian species. This variant is absent from gnomAD(v3.1.1) suggesting it is not a common benign variant in the populations represented in that database. In silico splicing predictors SpliceAI and Transcript inferred Pathogenicity Score (TraP) do not predict this variant to lead to a significant alteration to splicing. This variant is absent from ClinVar and to our current knowledge has not been reported in affected individuals in the literature. While it is identified de novo in this individual and absent in population databases, the lack of additional compelling evidence for its pathogenicity results in the classification of the de novo, deep intronic c.386+67111C>T variant identified in the KCNQ3 gene as a Variant of Uncertain Significance.

NM_004519.4(KCNQ3):c.386+67111C>T

Genes: KCNQ3 (potassium voltage-gated channel subfamily Q member 3; minus strand), LOC114827840 (VISTA enhancer hs2563; plus strand). Cytogenetic location: 8q24.22.
Variant type: single nucleotide variant.
Coding change: c.386+67111C>T on transcript NM_004519.4 (MANE Select); 67111 bases into the intron after coding-DNA position 386, C replaced by T.
Molecular consequence: intron variant.
Genome position (GRCh38, 1-based): chr8:132,413,036, G>A on the plus strand (C>T on the coding strand, the complement: KCNQ3 is on the minus strand). VCF-style: chr8-132413036-G-A. GRCh37 (hg19) VCF-style: chr8-133425283-G-A.
Other names: c.26+34165C>T (NM_001204824.2).
Identifiers: ClinVar variation 1679577 (VCV001679577.1), dbSNP rs2130799710, ClinGen allele CA2573142846.
Genomic context (GRCh38, chr8:132,413,036, plus strand): 5'-CTCCACTGACACCTCACAGTGGAGTACACACTAGGCTCTCAAGAAGTATTTCTTGCATAA[G>A]TCAAAGGACGAATGGATGAATTAGTGAAAAAATGAGTGAATGAATGAATGCACAAACTTA-3'